The following is an entry in ClinVar:

NM_005228.5(EGFR):c.3254C>T (p.Thr1085Ile)

Gene: EGFR (epidermal growth factor receptor; plus strand). Cytogenetic location: 7p11.2.
Variant type: single nucleotide variant.
Coding change: c.3254C>T on transcript NM_005228.5 (MANE Select); coding-DNA position 3254, C replaced by T.
Protein change: p.Thr1085Ile; replaces threonine 1085 with isoleucine.
Molecular consequence: missense variant.
Genome position (GRCh38, 1-based): chr7:55,202,608, C>T. VCF-style: chr7-55202608-C-T. GRCh37 (hg19) VCF-style: chr7-55270301-C-T.
Other names: c.3119C>T, p.Thr1040Ile (NM_001346897.2, NM_001346899.2); c.3254C>T, p.Thr1085Ile (NM_001346898.2); c.3095C>T, p.Thr1032Ile (NM_001346900.2); c.2453C>T, p.Thr818Ile (NM_001346941.2); short protein forms T1085I, T818I, T1032I, T1040I.
Identifiers: ClinVar variation 2963890 (VCV002963890.4), dbSNP rs2128973158, ClinGen allele CA367583529.

ClinVar aggregate classification (germline): Uncertain significance. Review status: criteria provided, multiple submitters, no conflicts (2 of 4 stars). 2 submissions from 2 submitters: Uncertain significance (2). Last evaluated 2025-03-22.

Conditions:
Hereditary cancer-predisposing syndrome. Also called: Tumor predisposition; Hereditary neoplastic syndrome; Hereditary Cancer Syndrome; Neoplastic Syndromes, Hereditary. Identifiers: Orphanet 140162, MedGen C0027672, MeSH D009386, MONDO:0015356.
EGFR-related lung cancer (EGFR). Identifiers: MedGen CN130014.

Allele frequency attached by ClinVar (database versions not stated): gnomAD exomes below 0.00001.
gnomAD v4.1: 2 of 1,613,122 alleles (0.00012%); highest among the groups gnomAD compares: South Asian, 0.0011%; no homozygotes.

Submissions (2):

Ambry Genetics
Classification: Uncertain significance for Hereditary cancer-predisposing syndrome. Last evaluated: 2025-03-22. Review status: criteria provided, single submitter. Criteria: Ambry Variant Classification Scheme 2023. Collection method: clinical testing. Allele origin: germline.
Comment: The p.T1085I variant (also known as c.3254C>T), located in coding exon 27 of the EGFR gene, results from a C to T substitution at nucleotide position 3254. The threonine at codon 1085 is replaced by isoleucine, an amino acid with similar properties. This amino acid position is conserved. In addition, this alteration is predicted to be tolerated by in silico analysis. Based on the available evidence, the clinical significance of this variant remains unclear.

Labcorp Genetics (formerly Invitae), Labcorp
Classification: Uncertain significance for EGFR-related lung cancer. Last evaluated: 2023-02-16. Review status: criteria provided, single submitter. Criteria: Invitae Variant Classification Sherloc (09022015). Collection method: clinical testing. Allele origin: germline.
Comment: In summary, the available evidence is currently insufficient to determine the role of this variant in disease. Therefore, it has been classified as a Variant of Uncertain Significance. An algorithm developed to predict the effect of missense changes on protein structure and function (PolyPhen-2) suggests that this variant is likely to be tolerated. This variant has not been reported in the literature in individuals affected with EGFR-related conditions. This variant is not present in population databases (gnomAD no frequency). This sequence change replaces threonine, which is neutral and polar, with isoleucine, which is neutral and non-polar, at codon 1085 of the EGFR protein (p.Thr1085Ile).